The following is an entry in ClinVar:

NM_001873.4(CPE):c.362G>A (p.Arg121Gln)

Gene: CPE (carboxypeptidase E; plus strand). Cytogenetic location: 4q32.3.
Variant type: single nucleotide variant.
Coding change: c.362G>A on transcript NM_001873.4 (MANE Select); coding-DNA position 362, G replaced by A.
Protein change: p.Arg121Gln; replaces arginine 121 with glutamine.
Molecular consequence: missense variant.
Genome position (GRCh38, 1-based): chr4:165,464,444, G>A. VCF-style: chr4-165464444-G-A. GRCh37 (hg19) VCF-style: chr4-166385596-G-A.
Other names: short protein forms R121Q.
Identifiers: ClinVar variation 3357419 (VCV003357419.1).

ClinVar aggregate classification (germline): Uncertain significance (0 of 4 stars; one submission).

Conditions:
CPE-related disorder. Also called: CPE-related condition.

gnomAD v4.1: 100 of 1,613,388 alleles (0.0062%); highest among the groups gnomAD compares: South Asian, 0.09%; 1 homozygote.

Submission:

PreventionGenetics, part of Exact Sciences
Classification: Uncertain significance for CPE-related condition. Last evaluated: 2023-11-22. Review status: no assertion criteria provided. Collection method: clinical testing. Allele origin: germline.
Comment: The CPE c.362G>A variant is predicted to result in the amino acid substitution p.Arg121Gln. To our knowledge, this variant has not been reported in the literature. This variant is reported in 0.11% of alleles in individuals of South Asian descent in gnomAD, which may be too common to be an undocumented disease-associated variant. Although we suspect that this variant may be benign, at this time, the clinical significance of this variant is uncertain due to the absence of conclusive functional and genetic evidence.